The following is an entry in ClinVar:

ClinVar aggregate classification (germline): Benign. Review status: criteria provided, single submitter (1 of 4 stars). 2 submissions from 2 submitters: Benign (1). 1 of the submissions does not count toward it. Last evaluated 2026-01-19.

Conditions:
CTDP1-related disorder. Also called: CTDP1-related condition.

Allele frequency attached by ClinVar (database versions not stated): ExAC below 0.00001; gnomAD 0.00138; TOPMed 0.00207; 1000 Genomes Project 30x 0.00297; 1000 Genomes Project 0.00339.
gnomAD v4.1: 498 of 1,306,134 alleles (0.038%); highest among the groups gnomAD compares: African/African-American, 0.69%; 3 homozygotes.

Submissions (2):

Labcorp Genetics (formerly Invitae), Labcorp
Classification: Benign. Last evaluated: 2026-01-19. Review status: criteria provided, single submitter. Criteria: Invitae Variant Classification Sherloc (09022015). Collection method: clinical testing. Allele origin: germline.

PreventionGenetics, part of Exact Sciences
Classification: Likely benign for CTDP1-related condition. Last evaluated: 2023-06-20. Review status: no assertion criteria provided. Collection method: clinical testing. Allele origin: germline. Not counted in ClinVar's aggregate classification.
Comment: This variant is classified as likely benign based on ACMG/AMP sequence variant interpretation guidelines (Richards et al. 2015 PMID: 25741868, with internal and published modifications).

NM_004715.5(CTDP1):c.294G>A (p.Pro98=)

Gene: CTDP1 (CTD phosphatase subunit 1; plus strand). Cytogenetic location: 18q23.
Variant type: single nucleotide variant.
Coding change: c.294G>A on transcript NM_004715.5 (MANE Select); coding-DNA position 294, G replaced by A.
Protein change: p.Pro98=; no amino-acid change (proline 98 retained).
Molecular consequence: synonymous variant.
Genome position (GRCh38, 1-based): chr18:79,680,241, G>A. VCF-style: chr18-79680241-G-A. GRCh37 (hg19) VCF-style: chr18-77440241-G-A.
Other names: c.294G>A, p.Pro98= (NM_001318511.2, NM_048368.4).
Identifiers: ClinVar variation 710137 (VCV000710137.12), dbSNP rs187756055, ClinGen allele CA9009903.